The following is an entry in ClinVar:

ClinVar aggregate classification (germline): Uncertain significance (1 of 4 stars; one submission).

Conditions:
Alagille syndrome due to a JAG1 point mutation. Also called: JAG1-Related Alagille Syndrome; HEPATIC DUCTULAR HYPOPLASIA, SYNDROMATIC; Alagille Syndrome 1. Identifiers: Orphanet 261619, Orphanet 52, MedGen C1956125, MONDO:0016862, OMIM 118450.

Submission:

Labcorp Genetics (formerly Invitae), Labcorp
Classification: Uncertain significance for Alagille syndrome due to a JAG1 point mutation. Last evaluated: 2022-06-20. Review status: criteria provided, single submitter. Criteria: Invitae Variant Classification Sherloc (09022015). Collection method: clinical testing. Allele origin: germline.
Comment: In summary, the available evidence is currently insufficient to determine the role of this variant in disease. Therefore, it has been classified as a Variant of Uncertain Significance. Experimental studies and prediction algorithms are not available or were not evaluated, and the functional significance of this variant is currently unknown. This sequence change replaces alanine with serine at codon 994 of the JAG1 protein (p.Ala994Ser). The alanine residue is moderately conserved and there is a moderate physicochemical difference between alanine and serine. Information on the frequency of this variant in the gnomAD database is not available, as this variant may be reported differently in the database. This variant has not been reported in the literature in individuals affected with JAG1-related conditions.

NM_000214.3(JAG1):c.2979_2980delinsTT (p.Ala994Ser)

Gene: JAG1 (jagged canonical Notch ligand 1; minus strand). Cytogenetic location: 20p12.2.
Variant type: Indel.
Coding change: c.2979_2980delinsTT on transcript NM_000214.3 (MANE Select); coding-DNA positions 2979 to 2980, CG replaced by TT.
Protein change: p.Ala994Ser; replaces alanine 994 with serine.
Molecular consequence: missense variant.
Genome position (GRCh38, 1-based): chr20:10,641,181-10,641,182, CG replaced by AA on the plus strand (CG replaced by TT on the coding strand, the reverse complement: JAG1 is on the minus strand). VCF-style: chr20-10641181-CG-AA. GRCh37 (hg19) VCF-style: chr20-10621829-CG-AA.
Other names: short protein forms A994S.
Identifiers: ClinVar variation 1487375 (VCV001487375.6), dbSNP rs2122595817, ClinGen allele CA2573156854.